The following is an entry in ClinVar:

ClinVar aggregate classification (germline): Uncertain significance (1 of 4 stars; one submission).

Conditions:
Brain small vessel disease 1 with or without ocular anomalies (BSVD1). Also called: PORENCEPHALY, TYPE 1, AUTOSOMAL DOMINANT; GOULD SYNDROME 1; BRAIN SMALL VESSEL DISEASE WITH HEMORRHAGE; Brain small vessel disease with or without ocular anomalies. Identifiers: Orphanet 2940, Orphanet 36383, Orphanet 99810, MedGen C4755307, MONDO:0008289, OMIM 175780.

gnomAD v4.1: 1 of 1,614,122 alleles (0.000062%); highest among the groups gnomAD compares: Non-Finnish European, 0.000085%; no homozygotes.

Submission:

3billion
Classification: Uncertain significance for Brain small vessel disease 1 with or without ocular anomalies. Last evaluated: 2025-09-04. Review status: criteria provided, single submitter. Criteria: ACMG Guidelines, 2015. Collection method: clinical testing. Allele origin: germline. Affected: yes.
Comment: The variant is observed at an extremely low frequency in the gnomAD v4.1.0 dataset (total allele frequency: <0.001%). Predicted Consequence/Location: Missense variant In silico tool predictions suggest damaging effect of the variant on gene or gene product [REVEL: 0.96 (>=0.6, sensitivity 0.68 and specificity 0.92); 3Cnet: 0.97 (> 0.75, sensitivity 0.96 and precision 0.92)]. A different missense change at the same codon (p.Gly347Val) has been reported to be associated with COL4A1-related disorder (ClinVar ID: VCV000585509). However the evidence of pathogenicity is insufficient at this time. Therefore, this variant is classified as VUS according to the recommendation of ACMG/AMP guideline.

NM_001845.6(COL4A1):c.1040G>A (p.Gly347Asp)

Gene: COL4A1 (collagen type IV alpha 1 chain; minus strand). Cytogenetic location: 13q34.
Variant type: single nucleotide variant.
Coding change: c.1040G>A on transcript NM_001845.6 (MANE Select); coding-DNA position 1040, G replaced by A.
Protein change: p.Gly347Asp; replaces glycine 347 with aspartic acid.
Molecular consequence: missense variant.
Genome position (GRCh38, 1-based): chr13:110,201,482, C>T on the plus strand (G>A on the coding strand, the complement: COL4A1 is on the minus strand). VCF-style: chr13-110201482-C-T. GRCh37 (hg19) VCF-style: chr13-110853829-C-T.
Other names: c.1040G>A, p.Gly347Asp (NM_001303110.2); short protein forms G347D.
Identifiers: ClinVar variation 4854133 (VCV004854133.1).